The following is an entry in ClinVar:

NM_003803.4(MYOM1):c.928T>A (p.Trp310Arg)

Gene: MYOM1 (myomesin 1; minus strand). Cytogenetic location: 18p11.31.
Variant type: single nucleotide variant.
Coding change: c.928T>A on transcript NM_003803.4 (MANE Select); coding-DNA position 928, T replaced by A.
Protein change: p.Trp310Arg; replaces tryptophan 310 with arginine.
Molecular consequence: missense variant.
Genome position (GRCh38, 1-based): chr18:3,187,481, A>T on the plus strand (T>A on the coding strand, the complement: MYOM1 is on the minus strand). VCF-style: chr18-3187481-A-T. GRCh37 (hg19) VCF-style: chr18-3187479-A-T.
Other names: c.928T>A, p.Trp310Arg (NM_019856.2); short protein forms W310R.
Identifiers: ClinVar variation 568733 (VCV000568733.8), dbSNP rs1567957308, ClinGen allele CA401716033.
Genomic context (GRCh38, chr18:3,187,481, plus strand): 5'-CTAGAGGCGAACTTAACTTGGTGTAATGAATTCTGTTAGCTTTCATAAAGATAACATACC[A>T]CGTGACACGAGGTTCTGGCCAGCCTGCTATGGAGCAATGCAATTTTACATTCTCCTTCTC-3'
Protein context (NP_003794.3, residues 300-320): IAGWPEPRVT[Trp310Arg]YKNQVPINVH

ClinVar aggregate classification (germline): Uncertain significance (1 of 4 stars; one submission).

Conditions:
Hypertrophic cardiomyopathy. Also called: HYPERTROPHIC MYOCARDIOPATHY. Identifiers: Orphanet 217569, MedGen C0007194, MeSH D002312, MONDO:0005045, HP:0001639.

Submission:

Labcorp Genetics (formerly Invitae), Labcorp
Classification: Uncertain significance for Hypertrophic cardiomyopathy. Last evaluated: 2018-06-24. Review status: criteria provided, single submitter. Criteria: Invitae Variant Classification Sherloc (09022015). Collection method: clinical testing. Allele origin: germline.
Comment: In summary, the available evidence is currently insufficient to determine the role of this variant in disease. Therefore, it has been classified as a Variant of Uncertain Significance. Algorithms developed to predict the effect of missense changes on protein structure and function (SIFT, PolyPhen-2, Align-GVGD) all suggest that this variant is likely to be disruptive, but these predictions have not been confirmed by published functional studies and their clinical significance is uncertain. This variant has not been reported in the literature in individuals with MYOM1-related disease. This variant is not present in population databases (ExAC no frequency). This sequence change replaces tryptophan with arginine at codon 310 of the MYOM1 protein (p.Trp310Arg). The tryptophan residue is highly conserved and there is a moderate physicochemical difference between tryptophan and arginine.